The following is an entry in ClinVar:

ClinVar aggregate classification (germline): Uncertain significance (1 of 4 stars; one submission).

Submission:

Labcorp Genetics (formerly Invitae), Labcorp
Classification: Uncertain significance. Last evaluated: 2025-04-30. Review status: criteria provided, single submitter. Criteria: Invitae Variant Classification Sherloc (09022015). Collection method: clinical testing. Allele origin: germline.
Comment: This sequence change falls in intron 61 of the SZT2 gene. It does not directly change the encoded amino acid sequence of the SZT2 protein. It affects a nucleotide within the consensus splice site. This variant is not present in population databases (gnomAD no frequency). This variant has not been reported in the literature in individuals affected with SZT2-related conditions. Variants that disrupt the consensus splice site are a relatively common cause of aberrant splicing (PMID: 17576681, 9536098). Algorithms developed to predict the effect of sequence changes on RNA splicing suggest that this variant may disrupt the consensus splice site. In summary, the available evidence is currently insufficient to determine the role of this variant in disease. Therefore, it has been classified as a Variant of Uncertain Significance.

Literature cited by the submitters: PubMed 17576681; PubMed 9536098.

NM_001365999.1(SZT2):c.8825+4A>T

Gene: SZT2 (SZT2 subunit of KICSTOR complex; plus strand). Cytogenetic location: 1p34.2.
Variant type: single nucleotide variant.
Coding change: c.8825+4A>T on transcript NM_001365999.1 (MANE Select); 4 bases into the intron after coding-DNA position 8825, A replaced by T.
Molecular consequence: intron variant.
Genome position (GRCh38, 1-based): chr1:43,443,800, A>T. VCF-style: chr1-43443800-A-T. GRCh37 (hg19) VCF-style: chr1-43909471-A-T.
Other names: c.8654+4A>T (NM_015284.4).
Identifiers: ClinVar variation 4712912 (VCV004712912.1).